The following is an entry in ClinVar:

ClinVar aggregate classification (germline): Uncertain significance. Review status: criteria provided, multiple submitters, no conflicts (2 of 4 stars). 2 submissions from 2 submitters: Uncertain significance (2). Last evaluated 2024-08-01.

Allele frequency attached by ClinVar (database versions not stated): gnomAD 0.00003 and 0.00004; TOPMed 0.00011.

Submissions (2):

Ambry Genetics
Classification: Uncertain significance. Last evaluated: 2024-08-01. Review status: criteria provided, single submitter. Criteria: Ambry Variant Classification Scheme 2023. Collection method: clinical testing. Allele origin: germline.

Labcorp Genetics (formerly Invitae), Labcorp
Classification: Uncertain significance. Last evaluated: 2020-08-26. Review status: criteria provided, single submitter. Criteria: Invitae Variant Classification Sherloc (09022015). Collection method: clinical testing. Allele origin: germline.
Comment: This sequence change replaces lysine with glutamic acid at codon 2 of the ATOH7 protein (p.Lys2Glu). The lysine residue is highly conserved and there is a small physicochemical difference between lysine and glutamic acid. The frequency data for this variant in the population databases is considered unreliable, as metrics indicate insufficient coverage at this position in the ExAC database. This variant has not been reported in the literature in individuals with ATOH7-related conditions. Algorithms developed to predict the effect of missense changes on protein structure and function are either unavailable or do not agree on the potential impact of this missense change (SIFT: "Deleterious"; PolyPhen-2: "Benign"; Align-GVGD: "Class C0"). In summary, the available evidence is currently insufficient to determine the role of this variant in disease. Therefore, it has been classified as a Variant of Uncertain Significance.

NM_145178.4(ATOH7):c.4A>G (p.Lys2Glu)

Gene: ATOH7 (atonal bHLH transcription factor 7; minus strand). Cytogenetic location: 10q21.3.
Variant type: single nucleotide variant.
Coding change: c.4A>G on transcript NM_145178.4 (MANE Select); coding-DNA position 4, A replaced by G.
Protein change: p.Lys2Glu; replaces lysine 2 with glutamic acid.
Molecular consequence: missense variant.
Genome position (GRCh38, 1-based): chr10:68,231,674, T>C on the plus strand (A>G on the coding strand, the complement: ATOH7 is on the minus strand). VCF-style: chr10-68231674-T-C. GRCh37 (hg19) VCF-style: chr10-69991431-T-C.
Other names: c.4A>G (NM_145178.2); short protein forms K2E.
Identifiers: ClinVar variation 1042158 (VCV001042158.7), dbSNP rs1390951547, ClinGen allele CA376838207.